The following is an entry in ClinVar:

ClinVar aggregate classification (germline): Benign. Review status: criteria provided, multiple submitters, no conflicts (2 of 4 stars). 4 submissions from 4 submitters: Benign (4). Last evaluated 2026-01-26.

Conditions:
Dystonic disorder. Also called: Dystonia. Identifiers: MedGen C0013421, MONDO:0003441, HP:0001332.

Allele frequency attached by ClinVar (database versions not stated): 1000 Genomes Project 0.00339; 1000 Genomes Project 30x 0.00344; gnomAD 0.00802 and 0.00829; TOPMed 0.00824; ExAC 0.00883; gnomAD exomes 0.00898 and 0.01334; ESP Exome Variant Server 0.01084.
gnomAD v4.1: 20,495 of 1,614,020 alleles (1.3%); highest among the groups gnomAD compares: Non-Finnish European, 1.5%; 150 homozygotes.

Submissions (4):

Labcorp Genetics (formerly Invitae), Labcorp
Classification: Benign for Dystonic disorder. Last evaluated: 2026-01-26. Review status: criteria provided, single submitter. Criteria: Invitae Variant Classification Sherloc (09022015). Collection method: clinical testing. Allele origin: germline.

CeGaT Center for Human Genetics Tuebingen
Classification: Benign. Last evaluated: 2024-07-01. Review status: criteria provided, single submitter. Criteria: CeGaT Center For Human Genetics Tuebingen Variant Classification Criteria Version 2. Collection method: clinical testing. Allele origin: germline. Affected: yes. Observed: 13 variant alleles.
Comment: GNAL: BP4, BP7, BS1, BS2

GeneDx
Classification: Benign. Last evaluated: 2020-10-29. Review status: criteria provided, single submitter. Criteria: GeneDx Variant Classification Process June 2021. Collection method: clinical testing. Allele origin: germline. Affected: yes.

Breakthrough Genomics
Classification: Benign. Review status: criteria provided, single submitter. Criteria: ACMG Guidelines, 2015. Collection method: not provided. Allele origin: germline. Inheritance: Autosomal dominant inheritance. Affected: yes.

NM_182978.4(GNAL):c.1245C>T (p.Ala415=)

Gene: GNAL (G protein subunit alpha L; plus strand). Cytogenetic location: 18p11.21.
Variant type: single nucleotide variant.
Coding change: c.1245C>T on transcript NM_182978.4 (MANE Select); coding-DNA position 1245, C replaced by T.
Protein change: p.Ala415=; no amino-acid change (alanine 415 retained).
Molecular consequence: synonymous variant.
Genome position (GRCh38, 1-based): chr18:11,881,003, C>T. VCF-style: chr18-11881003-C-T. GRCh37 (hg19) VCF-style: chr18-11881002-C-T.
Other names: c.1014C>T, p.Ala338= (NM_001142339.3, NM_001261443.2, NM_001369387.1); c.393C>T, p.Ala131= (NM_001261444.2).
Identifiers: ClinVar variation 416012 (VCV000416012.43), dbSNP rs41289504, ClinGen allele CA8894261.